The following is an entry in ClinVar:

ClinVar aggregate classification (germline): Pathogenic (1 of 4 stars; one submission).

Conditions:
Hereditary cancer-predisposing syndrome. Also called: Neoplastic Syndromes, Hereditary; Tumor predisposition; Hereditary neoplastic syndrome; Hereditary Cancer Syndrome. Identifiers: Orphanet 140162, MedGen C0027672, MeSH D009386, MONDO:0015356.

Submission:

Ambry Genetics
Classification: Pathogenic for Hereditary cancer-predisposing syndrome. Last evaluated: 2022-11-11. Review status: criteria provided, single submitter. Criteria: Ambry Variant Classification Scheme 2023. Collection method: clinical testing. Allele origin: germline.
Comment: The c.233_239delAAGAACC pathogenic mutation, located in coding exon 1 of the CHEK2 gene, results from a deletion of 7 nucleotides at nucleotide positions 233 to 239, causing a translational frameshift with a predicted alternate stop codon (p.Q78Lfs*30). This alteration is expected to result in loss of function by premature protein truncation or nonsense-mediated mRNA decay. As such, this alteration is interpreted as a disease-causing mutation.

NM_007194.4(CHEK2):c.233_239del (p.Gln78fs)

Gene: CHEK2 (checkpoint kinase 2; minus strand). Cytogenetic location: 22q12.1.
Variant type: Deletion.
Coding change: c.233_239del on transcript NM_007194.4 (MANE Select); coding-DNA positions 233 to 239, 7 bases deleted (AAGAACC; older notation c.233_239delAAGAACC).
Protein change: p.Gln78fs; shifts the reading frame from glutamine 78.
Molecular consequence: frameshift variant.
Genome position (GRCh38, 1-based): chr22:28,734,483-28,734,489, GGTTCTT deleted on the plus strand (AAGAACC on the coding strand, the reverse complement: CHEK2 is on the minus strand); deleting any 7 consecutive bases within chr22:28,734,483-28,734,492 gives the same sequence; the c. name uses the placement nearest the transcript's 3' end. VCF-style (leftmost placement, unchanged base first): chr22-28734482-AGGTTCTT-A. GRCh37 (hg19) VCF-style: chr22-29130470-AGGTTCTT-A.
Other names: c.230_236delACCAAGA, p.Gln78Leufs (NM_001005735.3, NM_001349956.3, NM_145862.3); c.-548_-542delACCAAGA (NM_001257387.3); short protein forms Q78fs.
Identifiers: ClinVar variation 2452066 (VCV002452066.2), dbSNP rs2518129244, ClinGen allele CA2580099416.